The following is an entry in ClinVar:

NM_003718.5(CDK13):c.125_139dup (p.Pro46_Gln47insProLeuLeuGlnPro)

Gene: CDK13 (cyclin dependent kinase 13; plus strand). Cytogenetic location: 7p14.1.
Variant type: Duplication.
Coding change: c.125_139dup on transcript NM_003718.5 (MANE Select); coding-DNA positions 125 to 139, 15 bases duplicated (CGCTCCTGCAGCCGC).
Protein change: p.Pro46_Gln47insProLeuLeuGlnPro.
Molecular consequence: inframe indel (on NM_031267.4).
Genome position (GRCh38, 1-based): chr7:39,950,766-39,950,780, CGCTCCTGCAGCCGC duplicated; duplicating any 15 consecutive bases within chr7:39,950,764-39,950,780 gives the same sequence; the c. name uses the placement nearest the transcript's 3' end. VCF-style (leftmost placement, unchanged base first): chr7-39950763-T-TGCCGCTCCTGCAGCC. GRCh37 (hg19) VCF-style: chr7-39990362-T-TGCCGCTCCTGCAGCC.
Other names: c.125_139dup, p.Pro46_Gln47insProLeuLeuGlnPro (NM_031267.4).
Identifiers: ClinVar variation 4071583 (VCV004071583.1).

ClinVar aggregate classification (germline): Uncertain significance (1 of 4 stars; one submission).

Submission:

GeneDx
Classification: Uncertain significance. Last evaluated: 2025-01-24. Review status: criteria provided, single submitter. Criteria: GeneDx Variant Classification Process June 2021. Collection method: clinical testing. Allele origin: germline. Affected: yes.
Comment: Not observed at significant frequency in large population cohorts (gnomAD); In-frame insertion of 5 amino acids in a non-repeat region; Has not been previously published as pathogenic or benign to our knowledge